The following is an entry in ClinVar:

ClinVar aggregate classification (germline): Uncertain significance (1 of 4 stars; one submission).

Conditions:
Developmental and epileptic encephalopathy, 14 (DEE14). Also called: Early infantile epileptic encephalopathy 14. Identifiers: Orphanet 293181, MedGen C3554195, MONDO:0013989, OMIM 614959.
Autosomal dominant nocturnal frontal lobe epilepsy 5. Also called: KCNT1-Related Epilepsy; CILIARY DYSKINESIA, PRIMARY, 28, WITH SITUS INVERSUS; Epilepsy, nocturnal frontal lobe, 5; CILIARY DYSKINESIA, PRIMARY, 28, WITHOUT SITUS INVERSUS. Identifiers: Orphanet 98784, MedGen C3554306, MONDO:0014002, OMIM 615005.

Submission:

Labcorp Genetics (formerly Invitae), Labcorp
Classification: Uncertain significance for Autosomal dominant nocturnal frontal lobe epilepsy 5; Developmental and epileptic encephalopathy, 14. Last evaluated: 2021-05-28. Review status: criteria provided, single submitter. Criteria: Invitae Variant Classification Sherloc (09022015). Collection method: clinical testing. Allele origin: germline.
Comment: In summary, the available evidence is currently insufficient to determine the role of this variant in disease. Therefore, it has been classified as a Variant of Uncertain Significance. Algorithms developed to predict the effect of missense changes on protein structure and function (SIFT, PolyPhen-2, Align-GVGD) all suggest that this variant is likely to be tolerated, but these predictions have not been confirmed by published functional studies and their clinical significance is uncertain. This variant has not been reported in the literature in individuals with KCNT1-related conditions. This variant is not present in population databases (ExAC no frequency). This sequence change replaces leucine with isoleucine at codon 272 of the KCNT1 protein (p.Leu272Ile). The leucine residue is moderately conserved and there is a small physicochemical difference between leucine and isoleucine.

NM_020822.3(KCNT1):c.814C>A (p.Leu272Ile)

Gene: KCNT1 (potassium sodium-activated channel subfamily T member 1; plus strand). Cytogenetic location: 9q34.3.
Variant type: single nucleotide variant.
Coding change: c.814C>A on transcript NM_020822.3 (MANE Select); coding-DNA position 814, C replaced by A.
Protein change: p.Leu272Ile; replaces leucine 272 with isoleucine.
Molecular consequence: missense variant.
Genome position (GRCh38, 1-based): chr9:135,758,468, C>A. VCF-style: chr9-135758468-C-A. GRCh37 (hg19) VCF-style: chr9-138650314-C-A.
Other names: c.670C>A, p.Leu224Ile (NM_001272003.2); short protein forms L224I, L272I.
Identifiers: ClinVar variation 1430032 (VCV001430032.8), dbSNP rs757884130, ClinGen allele CA375498233.